The following is an entry in ClinVar:

NM_014516.4(CNOT3):c.980C>A (p.Pro327His)

Gene: CNOT3 (CCR4-NOT transcription complex subunit 3; plus strand). Cytogenetic location: 19q13.42.
Variant type: single nucleotide variant.
Coding change: c.980C>A on transcript NM_014516.4 (MANE Select); coding-DNA position 980, C replaced by A.
Protein change: p.Pro327His; replaces proline 327 with histidine.
Molecular consequence: missense variant. On other transcripts: non-coding transcript variant (2).
Genome position (GRCh38, 1-based): chr19:54,148,233, C>A. VCF-style: chr19-54148233-C-A. GRCh37 (hg19) VCF-style: chr19-54651968-C-A.
Other names: c.983C>A, p.Pro328His (NM_001440653.1, NM_001440655.1, NM_001440657.1 and 3 more transcripts); c.980C>A, p.Pro327His (NM_001440654.1, NM_001440656.1, NM_001440658.1 and 1 more transcripts); c.437C>A, p.Pro146His (NM_001440659.1, NM_001440660.1); short protein forms P146H, P327H, P328H.
Identifiers: ClinVar variation 4537635 (VCV004537635.1).
Genomic context (GRCh38, chr19:54,148,233, plus strand): 5'-CTGTCCACAGCAACCAGCACCCTCAGTCCCCAGCTGTGCCGCCCACCTACCCCTCCGGCC[C>A]CCCGCCTGCTGCCTCTGCCTTGAGCACCACTCCTGGCAACAATGGGGTCCCCGCCCCCGC-3'
Protein context (NP_055331.1, residues 317-337): PAVPPTYPSG[Pro327His]PPAASALSTT

ClinVar aggregate classification (germline): Uncertain significance (1 of 4 stars; one submission).

Submission:

GeneDx
Classification: Uncertain significance. Last evaluated: 2025-06-11. Review status: criteria provided, single submitter. Criteria: GeneDx Variant Classification Process June 2021. Collection method: clinical testing. Allele origin: germline. Affected: yes.
Comment: Not observed at significant frequency in large population cohorts (gnomAD); In silico analysis supports that this missense variant has a deleterious effect on protein structure/function; Has not been previously published as pathogenic or benign to our knowledge